The following is an entry in ClinVar:

NM_002645.4(PIK3C2A):c.2014A>G (p.Ser672Gly)

Gene: PIK3C2A (phosphatidylinositol-4-phosphate 3-kinase catalytic subunit type 2 alpha; minus strand). Cytogenetic location: 11p15.1.
Variant type: single nucleotide variant.
Coding change: c.2014A>G on transcript NM_002645.4 (MANE Select); coding-DNA position 2014, A replaced by G.
Protein change: p.Ser672Gly; replaces serine 672 with glycine.
Molecular consequence: missense variant.
Genome position (GRCh38, 1-based): chr11:17,134,913, T>C on the plus strand (A>G on the coding strand, the complement: PIK3C2A is on the minus strand). VCF-style: chr11-17134913-T-C. GRCh37 (hg19) VCF-style: chr11-17156460-T-C.
Other names: c.874A>G, p.Ser292Gly (NM_001321380.2); c.2014A>G, p.Ser672Gly (NM_001386870.1, NM_001321378.2); short protein forms S672G, S292G.
Identifiers: ClinVar variation 2153409 (VCV002153409.3), dbSNP rs142033802, ClinGen allele CA5901204.

ClinVar aggregate classification (germline): Uncertain significance. Review status: criteria provided, multiple submitters, no conflicts (2 of 4 stars). 2 submissions from 2 submitters: Uncertain significance (2). Last evaluated 2024-06-07.

Conditions:
Oculocerebrodental syndrome (OCSKD). Also called: CATARACTS, EARLY-ONSET, WITH SKELETAL AND DENTAL ANOMALIES; OCULOSKELETODENTAL SYNDROME. Identifiers: Orphanet 557003, MedGen C5193101, MONDO:0034145, OMIM 618440.

Allele frequency attached by ClinVar (database versions not stated): TOPMed 0.00014; gnomAD 0.00015; gnomAD exomes 0.00018; ESP Exome Variant Server 0.00039; ExAC 0.00053.

Submissions (3):

Fulgent Genetics
Classification: Uncertain significance for Oculocerebrodental syndrome. Last evaluated: 2024-06-07. Review status: criteria provided, single submitter. Criteria: ACMG Guidelines, 2015. Collection method: clinical testing. Allele origin: germline.

Labcorp Genetics (formerly Invitae), Labcorp
Classification: Uncertain significance. Last evaluated: 2022-03-20. Review status: criteria provided, single submitter. Criteria: Invitae Variant Classification Sherloc (09022015). Collection method: clinical testing. Allele origin: germline.
Comment: This sequence change replaces serine, which is neutral and polar, with glycine, which is neutral and non-polar, at codon 672 of the PIK3C2A protein (p.Ser672Gly). This variant is present in population databases (rs142033802, gnomAD 0.06%). This variant has not been reported in the literature in individuals affected with PIK3C2A-related conditions. Algorithms developed to predict the effect of missense changes on protein structure and function output the following: SIFT: "Not Available"; PolyPhen-2: "Benign"; Align-GVGD: "Not Available". The glycine amino acid residue is found in multiple mammalian species, which suggests that this missense change does not adversely affect protein function. In summary, the available evidence is currently insufficient to determine the role of this variant in disease. Therefore, it has been classified as a Variant of Uncertain Significance.

Dr. Peter K. Rogan Lab, Western University
No classification provided (evidence only). Condition: Lung cancer. Review status: no classification provided. Collection method: in vitro. Allele origin: not applicable. Functional consequence: retained intron. Not counted in ClinVar's aggregate classification.